The following is an entry in ClinVar:

NM_001042475.3(CEP85L):c.471A>G (p.Ser157=)

Gene: CEP85L (centrosomal protein 85L; minus strand). Cytogenetic location: 6q22.31.
Variant type: single nucleotide variant.
Coding change: c.471A>G on transcript NM_001042475.3 (MANE Select); coding-DNA position 471, A replaced by G.
Protein change: p.Ser157=; no amino-acid change (serine 157 retained).
Molecular consequence: synonymous variant.
Genome position (GRCh38, 1-based): chr6:118,566,078, T>C on the plus strand (A>G on the coding strand, the complement: CEP85L is on the minus strand). VCF-style: chr6-118566078-T-C. GRCh37 (hg19) VCF-style: chr6-118887241-T-C.
Other names: c.480A>G, p.Ser160= (NM_001178035.2); c.471A>G, p.Ser157= (NM_206921.3).
Identifiers: ClinVar variation 4681468 (VCV004681468.5).

ClinVar aggregate classification (germline): Likely benign (1 of 4 stars; one submission).

gnomAD v4.1: 6 of 1,614,230 alleles (0.00037%); highest among the groups gnomAD compares: Middle Eastern, 0.033%; no homozygotes.

Submission:

CeGaT Center for Human Genetics Tuebingen
Classification: Likely benign. Last evaluated: 2025-12-01. Review status: criteria provided, single submitter. Criteria: CeGaT Center For Human Genetics Tuebingen Variant Classification Criteria Version 2. Collection method: clinical testing. Allele origin: germline. Affected: yes. Observed: 1 variant allele.
Comment: CEP85L: BP4, BP7